The following is an entry in ClinVar:

ClinVar aggregate classification (germline): Uncertain significance (1 of 4 stars; one submission).

Conditions:
Mucopolysaccharidosis, MPS-III-C (MPS3C). Also called: SANFILIPPO SYNDROME C; MPS III C; Mucopolysaccharidosis type IIIC (Sanfilippo C); mucopolysaccharidosis type 3C; MUCOPOLYSACCHARIDOSIS, TYPE IIIC; MPS IIIC (Sanfilippo Syndrome Type C). Identifiers: Orphanet 581, Orphanet 79271, MedGen C0086649, MONDO:0009657, OMIM 252930.
Retinitis pigmentosa 73 (RP73). Identifiers: Orphanet 791, MedGen C4225287, MONDO:0014687, OMIM 616544.

Submission:

Labcorp Genetics (formerly Invitae), Labcorp
Classification: Uncertain significance for Retinitis pigmentosa 73; Mucopolysaccharidosis, MPS-III-C. Last evaluated: 2025-03-17. Review status: criteria provided, single submitter. Criteria: Invitae Variant Classification Sherloc (09022015). Collection method: clinical testing. Allele origin: germline.
Comment: This sequence change replaces lysine, which is basic and polar, with glutamic acid, which is acidic and polar, at codon 629 of the HGSNAT protein (p.Lys629Glu). This variant is not present in population databases (gnomAD no frequency). This variant has not been reported in the literature in individuals affected with HGSNAT-related conditions. Invitae Evidence Modeling of protein sequence and biophysical properties (such as structural, functional, and spatial information, amino acid conservation, physicochemical variation, residue mobility, and thermodynamic stability) has been performed for this missense variant. However, the output from this modeling did not meet the statistical confidence thresholds required to predict the impact of this variant on HGSNAT protein function. In summary, the available evidence is currently insufficient to determine the role of this variant in disease. Therefore, it has been classified as a Variant of Uncertain Significance.

NM_152419.3(HGSNAT):c.1885A>G (p.Lys629Glu)

Gene: HGSNAT (heparan-alpha-glucosaminide N-acetyltransferase; plus strand). Cytogenetic location: 8p11.21.
Variant type: single nucleotide variant.
Coding change: c.1885A>G on transcript NM_152419.3 (MANE Select); coding-DNA position 1885, A replaced by G.
Protein change: p.Lys629Glu; replaces lysine 629 with glutamic acid.
Molecular consequence: missense variant.
Genome position (GRCh38, 1-based): chr8:43,199,546, A>G. VCF-style: chr8-43199546-A-G. GRCh37 (hg19) VCF-style: chr8-43054689-A-G.
Other names: c.1972A>G, p.Lys658Glu (NM_001363227.2); c.1693A>G, p.Lys565Glu (NM_001363228.2); c.1021A>G, p.Lys341Glu (NM_001363229.2); short protein forms K341E, K565E, K629E, K658E.
Identifiers: ClinVar variation 3754224 (VCV003754224.2).